The following is an entry in ClinVar:

NM_000017.4(ACADS):c.728T>G (p.Phe243Cys)

Gene: ACADS (acyl-CoA dehydrogenase short chain; plus strand). Cytogenetic location: 12q24.31.
Variant type: single nucleotide variant.
Coding change: c.728T>G on transcript NM_000017.4 (MANE Select); coding-DNA position 728, T replaced by G.
Protein change: p.Phe243Cys; replaces phenylalanine 243 with cysteine.
Molecular consequence: missense variant.
Genome position (GRCh38, 1-based): chr12:120,738,383, T>G. VCF-style: chr12-120738383-T-G. GRCh37 (hg19) VCF-style: chr12-121176186-T-G.
Other names: c.716T>G, p.Phe239Cys (NM_001302554.2); short protein forms F239C, F243C.
Identifiers: ClinVar variation 3616712 (VCV003616712.2).

ClinVar aggregate classification (germline): Likely pathogenic (1 of 4 stars; one submission).

Conditions:
Deficiency of butyryl-CoA dehydrogenase (ACADSD). Also called: ACYL-CoA DEHYDROGENASE, SHORT-CHAIN, DEFICIENCY OF; SCAD Deficiency; Short-Chain Acyl-CoA Dehydrogenase Deficiency; SCAD DEFICIENCY, MILD; ACADS DEFICIENCY; SCADH DEFICIENCY. Identifiers: Orphanet 26792, MedGen C0342783, MONDO:0008722, OMIM 201470. Disease mechanism: May be benign.

Submission:

Labcorp Genetics (formerly Invitae), Labcorp
Classification: Likely pathogenic for Deficiency of butyryl-CoA dehydrogenase. Last evaluated: 2024-01-31. Review status: criteria provided, single submitter. Criteria: Invitae Variant Classification Sherloc (09022015). Collection method: clinical testing. Allele origin: germline.
Comment: This sequence change replaces phenylalanine, which is neutral and non-polar, with cysteine, which is neutral and slightly polar, at codon 243 of the ACADS protein (p.Phe243Cys). This variant is not present in population databases (gnomAD no frequency). This missense change has been observed in individual(s) with ACADS-related conditions (Invitae). In at least one individual the data is consistent with being in trans (on the opposite chromosome) from a pathogenic variant. Advanced modeling of protein sequence and biophysical properties (such as structural, functional, and spatial information, amino acid conservation, physicochemical variation, residue mobility, and thermodynamic stability) performed at Invitae indicates that this missense variant is expected to disrupt ACADS protein function with a positive predictive value of 95%. In summary, the currently available evidence indicates that the variant is pathogenic, but additional data are needed to prove that conclusively. Therefore, this variant has been classified as Likely Pathogenic.